The following is an entry in ClinVar:

ClinVar aggregate classification (germline): Uncertain significance (1 of 4 stars; one submission).

Conditions:
Progressive familial heart block type IB (PFHB1B). Identifiers: Orphanet 871, MedGen C1970298, MONDO:0011474, OMIM 604559.

Submission:

Labcorp Genetics (formerly Invitae), Labcorp
Classification: Uncertain significance for Progressive familial heart block type IB. Last evaluated: 2025-08-29. Review status: criteria provided, single submitter. Criteria: Invitae Variant Classification Sherloc (09022015). Collection method: clinical testing. Allele origin: germline.
Comment: This sequence change replaces arginine, which is basic and polar, with glutamine, which is neutral and polar, at codon 799 of the TRPM4 protein (p.Arg799Gln). This variant is not present in population databases (gnomAD no frequency). This variant has not been reported in the literature in individuals affected with TRPM4-related conditions. An algorithm developed to predict the effect of missense changes on protein structure and function (PolyPhen-2) suggests that this variant is likely to be tolerated. Algorithms developed to predict the effect of sequence changes on RNA splicing suggest that this variant may create or strengthen a splice site. In summary, the available evidence is currently insufficient to determine the role of this variant in disease. Therefore, it has been classified as a Variant of Uncertain Significance.

NM_017636.4(TRPM4):c.2396G>A (p.Arg799Gln)

Gene: TRPM4 (transient receptor potential cation channel subfamily M member 4; plus strand). Cytogenetic location: 19q13.33.
Variant type: single nucleotide variant.
Coding change: c.2396G>A on transcript NM_017636.4 (MANE Select); coding-DNA position 2396, G replaced by A.
Protein change: p.Arg799Gln; replaces arginine 799 with glutamine.
Molecular consequence: missense variant. On other transcripts: intron variant (1).
Genome position (GRCh38, 1-based): chr19:49,196,625, G>A. VCF-style: chr19-49196625-G-A. GRCh37 (hg19) VCF-style: chr19-49699882-G-A.
Other names: c.2051G>A, p.Arg684Gln (NM_001321281.2); c.788G>A, p.Arg263Gln (NM_001321282.2); c.1874G>A, p.Arg625Gln (NM_001321283.2); c.1334G>A, p.Arg445Gln (NM_001321285.2); c.2211-3675G>A (NM_001195227.2); short protein forms R263Q, R445Q, R625Q, R684Q, R799Q.
Identifiers: ClinVar variation 4809167 (VCV004809167.1).
Genomic context (GRCh38, chr19:49,196,625, plus strand): 5'-CGGTGACCATCTTCATGGGCAACGTGGTCAGCTACCTGCTGTTCCTGCTGCTTTTCTCGC[G>A]GGTGCTGCTCGTGGATTTCCAGCCGGCGCCGCCCGGCTCCCTGGAGCTGCTGCTCTATTT-3'
Protein context (NP_060106.2, residues 789-809): SYLLFLLLFS[Arg799Gln]VLLVDFQPAP